The following is an entry in ClinVar:

NM_001040142.2(SCN2A):c.145G>A (p.Gly49Ser)

Gene: SCN2A (sodium voltage-gated channel alpha subunit 2; plus strand). Cytogenetic location: 2q24.3.
Variant type: single nucleotide variant.
Coding change: c.145G>A on transcript NM_001040142.2 (MANE Select); coding-DNA position 145, G replaced by A.
Protein change: p.Gly49Ser; replaces glycine 49 with serine.
Molecular consequence: missense variant.
Genome position (GRCh38, 1-based): chr2:165,295,968, G>A. VCF-style: chr2-165295968-G-A. GRCh37 (hg19) VCF-style: chr2-166152478-G-A.
Other names: c.145G>A, p.Gly49Ser (NM_001040143.2, NM_001371246.1, NM_001371247.1 and 1 more transcripts); short protein forms G49S.
Identifiers: ClinVar variation 1412791 (VCV001412791.11), dbSNP rs773605666, ClinGen allele CA1939555.

ClinVar aggregate classification (germline): Uncertain significance. Review status: criteria provided, multiple submitters, no conflicts (2 of 4 stars). 3 submissions from 3 submitters: Uncertain significance (3). Last evaluated 2024-02-01.

Conditions:
Inborn genetic diseases. Identifiers: MedGen C0950123, MeSH D030342.
Seizures, benign familial infantile, 3 (BFIS3). Also called: Familial neonatal seizures; CONVULSIONS, BENIGN FAMILIAL INFANTILE, 3. Identifiers: Orphanet 140927, Orphanet 306, MedGen C1843140, MONDO:0011904, OMIM 607745.
Developmental and epileptic encephalopathy, 11 (DEE11). Also called: Early infantile epileptic encephalopathy 11. Identifiers: Orphanet 1934, MedGen C3150987, MONDO:0013388, OMIM 613721.

Allele frequency attached by ClinVar (database versions not stated): gnomAD exomes below 0.00001 and 0.00001; gnomAD 0.00001; TOPMed 0.00001; ExAC 0.00002.

Submissions (3):

GeneDx
Classification: Uncertain significance. Last evaluated: 2024-02-01. Review status: criteria provided, single submitter. Criteria: GeneDx Variant Classification Process June 2021. Collection method: clinical testing. Allele origin: germline. Affected: yes.
Comment: Missense variants in this gene are often considered pathogenic (HGMD); In silico analysis supports that this missense variant does not alter protein structure/function; This substitution is predicted to be within the N-terminal cytoplasmic domain; Has not been previously published as pathogenic or benign to our knowledge

Labcorp Genetics (formerly Invitae), Labcorp
Classification: Uncertain significance for Seizures, benign familial infantile, 3; Developmental and epileptic encephalopathy, 11. Last evaluated: 2023-05-20. Review status: criteria provided, single submitter. Criteria: Invitae Variant Classification Sherloc (09022015). Collection method: clinical testing. Allele origin: germline.
Comment: In summary, the available evidence is currently insufficient to determine the role of this variant in disease. Therefore, it has been classified as a Variant of Uncertain Significance. Advanced modeling of protein sequence and biophysical properties (such as structural, functional, and spatial information, amino acid conservation, physicochemical variation, residue mobility, and thermodynamic stability) has been performed at Invitae for this missense variant, however the output from this modeling did not meet the statistical confidence thresholds required to predict the impact of this variant on SCN2A protein function. ClinVar contains an entry for this variant (Variation ID: 1412791). This variant has not been reported in the literature in individuals affected with SCN2A-related conditions. This variant is present in population databases (rs773605666, gnomAD 0.009%). This sequence change replaces glycine, which is neutral and non-polar, with serine, which is neutral and polar, at codon 49 of the SCN2A protein (p.Gly49Ser).

Ambry Genetics
Classification: Uncertain significance for Inborn genetic diseases. Last evaluated: 2021-09-02. Review status: criteria provided, single submitter. Criteria: Ambry Variant Classification Scheme 2023. Collection method: clinical testing. Allele origin: germline.